The following is an entry in ClinVar:

ClinVar aggregate classification (germline): Likely benign. Review status: criteria provided, multiple submitters, no conflicts (2 of 4 stars). 2 submissions from 2 submitters: Likely benign (2). Last evaluated 2025-10-11.

Conditions:
Dilated cardiomyopathy 1DD (CMD1DD). Identifiers: Orphanet 154, MedGen C2750995, MONDO:0013168, OMIM 613172.

Submissions (2):

Labcorp Genetics (formerly Invitae), Labcorp
Classification: Likely benign for Dilated cardiomyopathy 1DD. Last evaluated: 2025-10-11. Review status: criteria provided, single submitter. Criteria: Invitae Variant Classification Sherloc (09022015). Collection method: clinical testing. Allele origin: germline.

GeneDx
Classification: Likely benign. Last evaluated: 2019-04-30. Review status: criteria provided, single submitter. Criteria: GeneDx Variant Classification Process June 2021. Collection method: clinical testing. Allele origin: germline. Affected: yes.
Comment: Has not been previously published as pathogenic or benign to our knowledge

NM_001134363.3(RBM20):c.1669-6_1669-3del

Gene: RBM20 (RNA binding motif protein 20; plus strand). Cytogenetic location: 10q25.2.
Variant type: Microsatellite.
Coding change: c.1669-6_1669-3del on transcript NM_001134363.3 (MANE Select); 6 bases into the intron before coding-DNA position 1669 through 3 bases into the intron before coding-DNA position 1669, 4 bases deleted (TCTT; older notation c.1669-6_1669-3delTCTT).
Molecular consequence: intron variant.
Genome position (GRCh38, 1-based): chr10:110,799,781-110,799,784, TCTT deleted; deleting any 4 consecutive bases within chr10:110,799,774-110,799,784 gives the same sequence; the c. name uses the placement nearest the transcript's 3' end. VCF-style (leftmost placement, unchanged base first): chr10-110799773-CCTTT-C. GRCh37 (hg19) VCF-style: chr10-112559531-CCTTT-C.
Identifiers: ClinVar variation 698957 (VCV000698957.12), dbSNP rs903324770, ClinGen allele CA213247121.